The following is an entry in ClinVar:

NM_018911.3(PCDHA8):c.2133_2138del (p.Val712_Leu713del)

Genes: PCDHA1 (protocadherin alpha 1; plus strand), PCDHA2 (protocadherin alpha 2; plus strand), PCDHA3 (protocadherin alpha 3; plus strand), PCDHA4 (protocadherin alpha 4; plus strand), PCDHA5 (protocadherin alpha 5; plus strand) and 4 more. Cytogenetic location: 5q31.3.
Variant type: Deletion.
Coding change: c.2133_2138del on transcript NM_018911.3 (MANE Select); coding-DNA positions 2133 to 2138, 6 bases deleted (GGTGCT; older notation c.2133_2138delGGTGCT).
Protein change: p.Val712_Leu713del.
Molecular consequence: inframe deletion. On other transcripts: intron variant (9).
Genome position (GRCh38, 1-based): chr5:140,843,454-140,843,459, GGTGCT deleted; deleting any 6 consecutive bases within chr5:140,843,450-140,843,459 gives the same sequence; the c. name uses the placement nearest the transcript's 3' end. VCF-style (leftmost placement, unchanged base first): chr5-140843449-CTGCTGG-C. GRCh37 (hg19) VCF-style: chr5-140223034-CTGCTGG-C.
Other names: c.2133_2138del, p.Val712_Leu713del (NM_031856.2); c.2394+54770_2394+54775del (NM_018900.4); c.1602+55562_1602+55567del (NM_031411.3); c.2388+46102_2388+46107del (NM_018905.3); c.2394+39863_2394+39868del (NM_018906.3); c.2385+33882_2385+33887del (NM_018907.4); c.2352+19327_2352+19332del (NM_018908.3); c.2394+12969_2394+12974del (NM_018909.4); and 2 more.
Identifiers: ClinVar variation 4851698 (VCV004851698.1).

ClinVar aggregate classification (germline): Uncertain significance (1 of 4 stars; one submission).

Submission:

Greenwood Genetic Center Diagnostic Laboratories, Greenwood Genetic Center
Classification: Uncertain significance. Last evaluated: 2025-03-04. Review status: criteria provided, single submitter. Criteria: ACMG Guidelines, 2015. Collection method: clinical testing. Allele origin: germline.
Comment: Gene of Uncertain Significance